The following is an entry in ClinVar:

ClinVar aggregate classification (germline): Uncertain significance (1 of 4 stars; one submission).

Conditions:
Hereditary spastic paraplegia 28. Also called: Spastic paraplegia 28, autosomal recessive. Identifiers: Orphanet 101008, MedGen C1836295, MONDO:0012256, OMIM 609340.

Allele frequency attached by ClinVar (database versions not stated): gnomAD exomes below 0.00001; gnomAD 0.00001; TOPMed 0.00003.
gnomAD v4.1: 7 of 1,442,492 alleles (0.00049%); highest among the groups gnomAD compares: East Asian, 0.014%; no homozygotes.

Submission:

Labcorp Genetics (formerly Invitae), Labcorp
Classification: Uncertain significance for Hereditary spastic paraplegia 28. Last evaluated: 2022-03-09. Review status: criteria provided, single submitter. Criteria: Invitae Variant Classification Sherloc (09022015). Collection method: clinical testing. Allele origin: germline.
Comment: This sequence change replaces arginine, which is basic and polar, with cysteine, which is neutral and slightly polar, at codon 6 of the DDHD1 protein (p.Arg6Cys). This variant is present in population databases (no rsID available, gnomAD 0.06%). This variant has not been reported in the literature in individuals affected with DDHD1-related conditions. ClinVar contains an entry for this variant (Variation ID: 1050894). Algorithms developed to predict the effect of missense changes on protein structure and function are either unavailable or do not agree on the potential impact of this missense change (SIFT: "Deleterious"; PolyPhen-2: "Possibly Damaging"; Align-GVGD: "Class C0"). In summary, the available evidence is currently insufficient to determine the role of this variant in disease. Therefore, it has been classified as a Variant of Uncertain Significance.

NM_001160148.2(DDHD1):c.16C>T (p.Arg6Cys)

Gene: DDHD1 (DDHD domain containing 1; minus strand). Cytogenetic location: 14q22.1.
Variant type: single nucleotide variant.
Coding change: c.16C>T on transcript NM_001160148.2 (MANE Select); coding-DNA position 16, C replaced by T.
Protein change: p.Arg6Cys; replaces arginine 6 with cysteine.
Molecular consequence: missense variant.
Genome position (GRCh38, 1-based): chr14:53,153,083, G>A on the plus strand (C>T on the coding strand, the complement: DDHD1 is on the minus strand). VCF-style: chr14-53153083-G-A. GRCh37 (hg19) VCF-style: chr14-53619801-G-A.
Other names: c.16C>T, p.Arg6Cys (NM_001160147.2, NM_030637.3); short protein forms R6C.
Identifiers: ClinVar variation 1050894 (VCV001050894.6), dbSNP rs1367342869, ClinGen allele CA389782185.